The following is an entry in ClinVar:

ClinVar aggregate classification (germline): Uncertain significance (1 of 4 stars; one submission).

Conditions:
Inborn genetic diseases. Identifiers: MedGen C0950123, MeSH D030342.

Submission:

Ambry Genetics
Classification: Uncertain significance for Inborn genetic diseases. Last evaluated: 2025-02-16. Review status: criteria provided, single submitter. Criteria: Ambry Variant Classification Scheme 2023. Collection method: clinical testing. Allele origin: germline.
Comment: The p.V237L variant (also known as c.709G>C), located in coding exon 5 of the ETV6 gene, results from a G to C substitution at nucleotide position 709. The valine at codon 237 is replaced by leucine, an amino acid with highly similar properties. This amino acid position is conserved. In addition, this alteration is predicted to be tolerated by in silico analysis. Based on the available evidence, the clinical significance of this variant remains unclear.

NM_001987.5(ETV6):c.709G>C (p.Val237Leu)

Gene: ETV6 (ETS variant transcription factor 6; plus strand). Cytogenetic location: 12p13.2.
Variant type: single nucleotide variant.
Coding change: c.709G>C on transcript NM_001987.5 (MANE Select); coding-DNA position 709, G replaced by C.
Protein change: p.Val237Leu; replaces valine 237 with leucine.
Molecular consequence: missense variant.
Genome position (GRCh38, 1-based): chr12:11,869,669, G>C. VCF-style: chr12-11869669-G-C. GRCh37 (hg19) VCF-style: chr12-12022603-G-C.
Other names: c.706G>C, p.Val236Leu (NM_001413913.1); c.682G>C, p.Val228Leu (NM_001413914.1); c.445G>C, p.Val149Leu (NM_001413915.1); c.709G>C, p.Val237Leu (NM_001413916.1, NM_001413917.1); short protein forms V149L, V228L, V236L, V237L.
Identifiers: ClinVar variation 3846538 (VCV003846538.1).